The following is an entry in ClinVar:

ClinVar aggregate classification (germline): Pathogenic. Review status: criteria provided, multiple submitters, no conflicts (2 of 4 stars). 5 submissions from 5 submitters: Pathogenic (4). 1 of the submissions does not count toward it. Last evaluated 2025-10-20.

Conditions:
Autosomal recessive limb-girdle muscular dystrophy type 2A (LGMDR1). Also called: Calpainopathy; Muscular dystrophy, limb-girdle, type 2A, Amish; LEYDEN-MOEBIUS MUSCULAR DYSTROPHY; MUSCULAR DYSTROPHY, PELVOFEMORAL; Limb-girdle muscular dystrophy, type 2A. Identifiers: Orphanet 267, MedGen C1869123, MONDO:0009675, OMIM 253600. Disease mechanism: loss of function.

Submissions (5):

Natera, Inc.
Classification: Pathogenic for Limb-girdle muscular dystrophy type 2A. Last evaluated: 2025-10-20. Review status: criteria provided, single submitter. Criteria: Natera Variant Classification Schema (03/2026). Collection method: clinical testing. Allele origin: germline.
Comment: The c.2036_2037delCA variant in CAPN3 is a frameshift variant predicted to shift the reading frame beginning at codon 679 and leads to a stop codon 20 codons downstream. This variant is expected to result in nonsense mediated decay, truncation, or a dysfunctional protein product. This variant is rare in the general population with a frequency below the threshold expected for the associated phenotype(s). This variant has been observed in one or more individuals affected with the associated recessive disease, as either homozygous or compound heterozygous with a second variant (PMID: 19364062). Additionally, this variant has been observed to segregate in affected family members (PMID: 19364062). Given the available evidence, this variant is classified as Pathogenic.

Labcorp Genetics (formerly Invitae), Labcorp
Classification: Pathogenic for Autosomal recessive limb-girdle muscular dystrophy type 2A. Last evaluated: 2025-01-27. Review status: criteria provided, single submitter. Criteria: Invitae Variant Classification Sherloc (09022015). Collection method: clinical testing. Allele origin: germline.
Comment: This sequence change creates a premature translational stop signal (p.Thr679Serfs*20) in the CAPN3 gene. It is expected to result in an absent or disrupted protein product. Loss-of-function variants in CAPN3 are known to be pathogenic (PMID: 10330340, 15689361). This variant is not present in population databases (gnomAD no frequency). This premature translational stop signal has been observed in individual(s) with limb-girdle muscular dystrophy (PMID: 19364062). It has also been observed to segregate with disease in related individuals. ClinVar contains an entry for this variant (Variation ID: 282536). For these reasons, this variant has been classified as Pathogenic.

Revvity Omics, Revvity
Classification: Pathogenic. Last evaluated: 2019-06-11. Review status: criteria provided, single submitter. Criteria: ACMG Guidelines, 2015. Collection method: clinical testing. Allele origin: germline.

Eurofins Ntd Llc (ga)
Classification: Pathogenic. Last evaluated: 2018-06-01. Review status: criteria provided, single submitter. Criteria: EGL ClinVar v180209 classification definitions. Collection method: clinical testing. Allele origin: germline. Observed: 2 variant alleles, 2 heterozygotes.

Counsyl
Classification: Pathogenic for Autosomal recessive limb-girdle muscular dystrophy type 2A. Last evaluated: 2018-04-12. Review status: no assertion criteria provided. Collection method: clinical testing. Allele origin: unknown. Not counted in ClinVar's aggregate classification.

Literature cited by the submitters: PubMed 19364062 (cited by 3 submitters); PubMed 10330340 (cited by Labcorp Genetics (formerly Invitae), Labcorp); PubMed 15689361 (cited by Labcorp Genetics (formerly Invitae), Labcorp); PubMed 17236769 (cited by Counsyl).

NM_000070.3(CAPN3):c.2036_2037del (p.Thr679fs)

Gene: CAPN3 (calpain 3; plus strand). Cytogenetic location: 15q15.1.
Variant type: Microsatellite.
Coding change: c.2036_2037del on transcript NM_000070.3 (MANE Select); coding-DNA positions 2036 to 2037, 2 bases deleted (CA; older notation c.2036_2037delCA).
Protein change: p.Thr679fs; shifts the reading frame from threonine 679.
Molecular consequence: frameshift variant.
Genome position (GRCh38, 1-based): chr15:42,409,830-42,409,831, CA deleted; deleting any 2 consecutive bases within chr15:42,409,827-42,409,831 gives the same sequence; the c. name uses the placement nearest the transcript's 3' end. VCF-style (leftmost placement, unchanged base first): chr15-42409826-AAC-A. GRCh37 (hg19) VCF-style: chr15-42702024-AAC-A.
Other names: c.2018_2019del, p.Thr673fs (NM_024344.2); c.1760_1761del, p.Thr587fs (NM_173087.2); c.500_501del, p.Thr167fs (NM_173088.2); c.41_42del, p.Thr14fs (NM_173089.2, NM_173090.2); c.2036_2037delCA (NM_000070.2); short protein forms T587fs, T167fs, T679fs, T14fs, T673fs.
Identifiers: ClinVar variation 282536 (VCV000282536.21), dbSNP rs886042418, ClinGen allele CA10604209.